The following is an entry in ClinVar:

NM_139076.3(ABRAXAS1):c.79T>G (p.Ser27Ala)

Genes: ABRAXAS1 (abraxas 1, BRCA1 A complex subunit; minus strand), LOC129992784 (ATAC-STARR-seq lymphoblastoid silent region 15542; plus strand). Cytogenetic location: 4q21.23.
Variant type: single nucleotide variant.
Coding change: c.79T>G on transcript NM_139076.3 (MANE Select); coding-DNA position 79, T replaced by G.
Protein change: p.Ser27Ala; replaces serine 27 with alanine.
Molecular consequence: missense variant. On other transcripts: 5 prime UTR variant (1).
Genome position (GRCh38, 1-based): chr4:83,484,994, A>C on the plus strand (T>G on the coding strand, the complement: ABRAXAS1 is on the minus strand). VCF-style: chr4-83484994-A-C. GRCh37 (hg19) VCF-style: chr4-84406147-A-C.
Other names: c.-182T>G (NM_001345962.2); short protein forms S27A.
Identifiers: ClinVar variation 5029244 (VCV005029244.1).
Genomic context (GRCh38, chr4:83,484,994, plus strand): 5'-GCGCAGGGCTCTTCCCAGGCGACGCCGGACCCCGCCCCGTCCCTCGGCTCACCGTGTCCG[A>C]GTCCGTGTTGAGGTGCTGGAAAGCGAGTGCGCCGAGCACAAAGCCCGAGAGCACCGCCGA-3'
Protein context (NP_620775.2, residues 17-37): ALAFQHLNTD[Ser27Ala]DTEGFLLGEV

ClinVar aggregate classification (germline): Uncertain significance (1 of 4 stars; one submission).

Submission:

Ambry Genetics
Classification: Uncertain significance. Last evaluated: 2026-08-19. Review status: criteria provided, single submitter. Criteria: Ambry Variant Classification Scheme 2023. Collection method: clinical testing. Allele origin: germline.
Comment: The p.S27A variant (also known as c.79T>G), located in coding exon 1 of the FAM175A gene, results from a T to G substitution at nucleotide position 79. The serine at codon 27 is replaced by alanine, an amino acid with similar properties. This amino acid position is conserved. In addition, this alteration is predicted to be tolerated by in silico analysis. Based on the available evidence, the clinical significance of this variant remains unclear.